The following is an entry in ClinVar:

ClinVar aggregate classification (germline): Conflicting classifications of pathogenicity. Review status: criteria provided, conflicting classifications (1 of 4 stars). 5 submissions from 4 submitters: Uncertain significance (4); Likely benign (1). Last evaluated 2026-02-26.

Conditions:
Autosomal dominant nonsyndromic hearing loss 12. Also called: DEAFNESS, AUTOSOMAL DOMINANT 8. Identifiers: Orphanet 90635, MedGen C1832187, MONDO:0011102, OMIM 601543.
Autosomal recessive nonsyndromic hearing loss 21. Identifiers: Orphanet 90636, MedGen C1863655, MONDO:0011351, OMIM 603629.

Allele frequency attached by ClinVar (database versions not stated): ExAC 0.00003; gnomAD exomes 0.00003 and 0.00006; gnomAD 0.00005; TOPMed 0.00005; ESP Exome Variant Server 0.00008.
gnomAD v4.1: 59 of 1,611,168 alleles (0.0037%); highest among the groups gnomAD compares: South Asian, 0.0011%; no homozygotes.

Submissions (5):

GeneDx
Classification: Uncertain significance. Last evaluated: 2026-02-26. Review status: criteria provided, single submitter. Criteria: GeneDx Variant Classification Process June 2021. Collection method: clinical testing. Allele origin: germline.
Comment: In silico analysis supports a deleterious effect on splicing; Has not been previously published as pathogenic or benign to our knowledge

Labcorp Genetics (formerly Invitae), Labcorp
Classification: Likely benign. Last evaluated: 2024-10-30. Review status: criteria provided, single submitter. Criteria: Invitae Variant Classification Sherloc (09022015). Collection method: clinical testing. Allele origin: germline.

Fulgent Genetics
Classification: Uncertain significance for Autosomal dominant nonsyndromic hearing loss 12; Autosomal recessive nonsyndromic hearing loss 21. Last evaluated: 2021-07-15. Review status: criteria provided, single submitter. Criteria: ACMG Guidelines, 2015. Collection method: clinical testing. Allele origin: unknown.

Illumina Laboratory Services, Illumina
Classification: Uncertain significance for Autosomal recessive nonsyndromic hearing loss 21. Last evaluated: 2018-01-13. Review status: criteria provided, single submitter. Criteria: ICSL Variant Classification Criteria 13 December 2019. Collection method: clinical testing. Allele origin: germline.

Illumina Laboratory Services, Illumina
Classification: Uncertain significance for Autosomal dominant nonsyndromic hearing loss 12. Last evaluated: 2018-01-13. Review status: criteria provided, single submitter. Criteria: ICSL Variant Classification Criteria 13 December 2019. Collection method: clinical testing. Allele origin: germline.

NM_005422.4(TECTA):c.4965C>T (p.Gly1655=)

Genes: TBCEL-TECTA (TBCEL-TECTA readthrough; plus strand), TECTA (tectorin alpha; plus strand). Cytogenetic location: 11q23.3.
Variant type: single nucleotide variant.
Coding change: c.4965C>T on transcript NM_005422.4 (MANE Select); coding-DNA position 4965, C replaced by T.
Protein change: p.Gly1655=; no amino-acid change (glycine 1655 retained).
Molecular consequence: synonymous variant.
Genome position (GRCh38, 1-based): chr11:121,160,410, C>T. VCF-style: chr11-121160410-C-T. GRCh37 (hg19) VCF-style: chr11-121031119-C-T.
Other names: c.5922C>T, p.Gly1974= (NM_001378761.1).
Identifiers: ClinVar variation 303029 (VCV000303029.10), dbSNP rs200769761, ClinGen allele CA6327604.